The following is an entry in ClinVar:

ClinVar aggregate classification (germline): Conflicting classifications of pathogenicity. Review status: criteria provided, conflicting classifications (1 of 4 stars). 2 submissions from 2 submitters: Uncertain significance (1); Likely benign (1). Last evaluated 2024-09-01.

Allele frequency attached by ClinVar (database versions not stated): TOPMed 0.00003; gnomAD 0.00005; ESP Exome Variant Server 0.00010.
gnomAD v4.1: 47 of 1,207,769 alleles (0.0039%); highest among the groups gnomAD compares: Non-Finnish European, 0.0047%; no homozygotes.

Submissions (2):

CeGaT Center for Human Genetics Tuebingen
Classification: Likely benign. Last evaluated: 2024-09-01. Review status: criteria provided, single submitter. Criteria: CeGaT Center For Human Genetics Tuebingen Variant Classification Criteria Version 2. Collection method: clinical testing. Allele origin: germline. Affected: yes. Observed: 1 variant allele.
Comment: ZC3H12B: BP4, BS2

Ambry Genetics
Classification: Uncertain significance. Last evaluated: 2021-10-06. Review status: criteria provided, single submitter. Criteria: Ambry Variant Classification Scheme 2023. Collection method: clinical testing. Allele origin: germline.

NM_001010888.4(ZC3H12B):c.1430C>T (p.Pro477Leu)

Gene: ZC3H12B (zinc finger CCCH-type containing 12B; plus strand). Cytogenetic location: Xq12.
Variant type: single nucleotide variant.
Coding change: c.1430C>T on transcript NM_001010888.4 (MANE Select); coding-DNA position 1430, C replaced by T.
Protein change: p.Pro477Leu; replaces proline 477 with leucine.
Molecular consequence: missense variant.
Genome position (GRCh38, 1-based): chrX:65,502,128, C>T. VCF-style: chrX-65502128-C-T. GRCh37 (hg19) VCF-style: chrX-64722008-C-T.
Other names: short protein forms P477L.
Identifiers: ClinVar variation 2253865 (VCV002253865.16), dbSNP rs368700710, ClinGen allele CA329955387.